The following is an entry in ClinVar:

ClinVar aggregate classification (germline): Likely benign (1 of 4 stars; one submission).

Allele frequency attached by ClinVar (database versions not stated): gnomAD 0.00001; TOPMed 0.00002.
gnomAD v4.1: 34 of 1,613,958 alleles (0.0021%); highest among the groups gnomAD compares: Non-Finnish European, 0.0028%; no homozygotes.

Submission:

CeGaT Center for Human Genetics Tuebingen
Classification: Likely benign. Last evaluated: 2025-02-01. Review status: criteria provided, single submitter. Criteria: CeGaT Center For Human Genetics Tuebingen Variant Classification Criteria Version 2. Collection method: clinical testing. Allele origin: germline. Affected: yes. Observed: 2 variant alleles.
Comment: KDM3B: BP4, BP7

NM_016604.4(KDM3B):c.3933A>G (p.Thr1311=)

Gene: KDM3B (lysine demethylase 3B; plus strand). Cytogenetic location: 5q31.2.
Variant type: single nucleotide variant.
Coding change: c.3933A>G on transcript NM_016604.4 (MANE Select); coding-DNA position 3933, A replaced by G.
Protein change: p.Thr1311=; no amino-acid change (threonine 1311 retained).
Molecular consequence: synonymous variant.
Genome position (GRCh38, 1-based): chr5:138,420,923, A>G. VCF-style: chr5-138420923-A-G. GRCh37 (hg19) VCF-style: chr5-137756612-A-G.
Identifiers: ClinVar variation 2655722 (VCV002655722.24), dbSNP rs761559640, ClinGen allele CA3429360.